The following is an entry in ClinVar:

ClinVar aggregate classification (germline): Uncertain significance (1 of 4 stars; one submission).

Allele frequency attached by ClinVar (database versions not stated): gnomAD exomes below 0.00001; ExAC 0.00001.
gnomAD v4.1: 1 of 1,611,174 alleles (0.000062%); highest among the groups gnomAD compares: Non-Finnish European, 0.000085%; no homozygotes.

Submission:

Labcorp Genetics (formerly Invitae), Labcorp
Classification: Uncertain significance. Last evaluated: 2023-03-10. Review status: criteria provided, single submitter. Criteria: Invitae Variant Classification Sherloc (09022015). Collection method: clinical testing. Allele origin: germline.
Comment: In summary, the available evidence is currently insufficient to determine the role of this variant in disease. Therefore, it has been classified as a Variant of Uncertain Significance. An algorithm developed to predict the effect of missense changes on protein structure and function (PolyPhen-2) suggests that this variant is likely to be disruptive. ClinVar contains an entry for this variant (Variation ID: 1996051). This variant has not been reported in the literature in individuals affected with ASRGL1-related conditions. This variant is present in population databases (rs764286423, gnomAD 0.0009%). This sequence change replaces glycine, which is neutral and non-polar, with serine, which is neutral and polar, at codon 207 of the ASRGL1 protein (p.Gly207Ser).

NM_001083926.2(ASRGL1):c.619G>A (p.Gly207Ser)

Gene: ASRGL1 (asparaginase and isoaspartyl peptidase 1; plus strand). Cytogenetic location: 11q12.3.
Variant type: single nucleotide variant.
Coding change: c.619G>A on transcript NM_001083926.2 (MANE Select); coding-DNA position 619, G replaced by A.
Protein change: p.Gly207Ser; replaces glycine 207 with serine.
Molecular consequence: missense variant.
Genome position (GRCh38, 1-based): chr11:62,391,530, G>A. VCF-style: chr11-62391530-G-A. GRCh37 (hg19) VCF-style: chr11-62159002-G-A.
Other names: c.619G>A, p.Gly207Ser (NM_025080.4); short protein forms G207S.
Identifiers: ClinVar variation 1996051 (VCV001996051.4), dbSNP rs764286423, ClinGen allele CA6043294.